The following is an entry in ClinVar:

NM_001347721.2(DYRK1A):c.11-17C>T

Gene: DYRK1A (dual specificity tyrosine phosphorylation regulated kinase 1A; plus strand). Cytogenetic location: 21q22.13.
Variant type: single nucleotide variant.
Coding change: c.11-17C>T on transcript NM_001347721.2 (MANE Select); 17 bases into the intron before coding-DNA position 11, C replaced by T.
Molecular consequence: intron variant.
Genome position (GRCh38, 1-based): chr21:37,472,667, C>T. VCF-style: chr21-37472667-C-T. GRCh37 (hg19) VCF-style: chr21-38844969-C-T.
Other names: c.11-17C>T (NM_001396.5, NM_001347722.2, NM_101395.2 and 2 more transcripts); c.-77-17C>T (NM_001347723.2).
Identifiers: ClinVar variation 512605 (VCV000512605.1), dbSNP rs369277619, ClinGen allele CA10023689.
Genomic context (GRCh38, chr21:37,472,667, plus strand): 5'-GGAACCATTAGATATGTCAAATGATACAAACATTAGGATATGAATATTTCCTTTAAACCT[C>T]ACTTATCTTCTTGTAGGAGGAGAGACTTCAGCATGCAAACCTTCATCTGTTCGGCTTGCA-3'

ClinVar aggregate classification (germline): Likely benign (1 of 4 stars; one submission).

Allele frequency attached by ClinVar (database versions not stated): gnomAD 0.00003 and 0.00001; ESP Exome Variant Server 0.00008; gnomAD exomes below 0.00001; TOPMed below 0.00001; ExAC 0.00001.
gnomAD v4.1: 2 of 1,560,612 alleles (0.00013%); highest among the groups gnomAD compares: African/African-American, 0.0027%; no homozygotes.

Submission:

GeneDx
Classification: Likely benign. Last evaluated: 2017-10-12. Review status: criteria provided, single submitter. Criteria: GeneDx Variant Classification (06012015). Collection method: clinical testing. Allele origin: germline. Affected: yes.
Comment: This variant is considered likely benign or benign based on one or more of the following criteria: it is a conservative change, it occurs at a poorly conserved position in the protein, it is predicted to be benign by multiple in silico algorithms, and/or has population frequency not consistent with disease.